The following is an entry in ClinVar:

ClinVar aggregate classification (germline): Conflicting classifications of pathogenicity. Review status: criteria provided, conflicting classifications (1 of 4 stars). 3 submissions from 3 submitters: Uncertain significance (1); Likely benign (1). 1 of the submissions does not count toward it. Last evaluated 2025-04-23.

Conditions:
Autosomal dominant Parkinson disease 8. Also called: LRRK2-Related Parkinson Disease; Parkinson disease 8; Parkinson disease 8, susceptibility to. Identifiers: Orphanet 411602, MedGen C1846862, MONDO:0011764, OMIM 607060.

Allele frequency attached by ClinVar (database versions not stated): gnomAD exomes below 0.00001; ExAC 0.00001; gnomAD 0.00005 and 0.00007; TOPMed 0.00006.
gnomAD v4.1: 42 of 1,614,070 alleles (0.0026%); highest among the groups gnomAD compares: Middle Eastern, 0.033%; 1 homozygote.

Submissions (3):

Labcorp Genetics (formerly Invitae), Labcorp
Classification: Uncertain significance for Autosomal dominant Parkinson disease 8. Last evaluated: 2025-04-23. Review status: criteria provided, single submitter. Criteria: Invitae Variant Classification Sherloc (09022015). Collection method: clinical testing. Allele origin: germline.
Comment: This sequence change replaces threonine, which is neutral and polar, with methionine, which is neutral and non-polar, at codon 2141 of the LRRK2 protein (p.Thr2141Met). This variant is present in population databases (rs111691891, gnomAD 0.008%). This missense change has been observed in individual(s) with Parkinson disease (PMID: 18213618). ClinVar contains an entry for this variant (Variation ID: 39226). An algorithm developed to predict the effect of missense changes on protein structure and function outputs the following: PolyPhen-2: "Benign". The methionine amino acid residue is found in multiple mammalian species, which suggests that this missense change does not adversely affect protein function. Experimental studies have shown that this missense change does not substantially affect LRRK2 function (PMID: 20642453). In summary, the available evidence is currently insufficient to determine the role of this variant in disease. Therefore, it has been classified as a Variant of Uncertain Significance.

CeGaT Center for Human Genetics Tuebingen
Classification: Likely benign. Last evaluated: 2023-12-01. Review status: criteria provided, single submitter. Criteria: CeGaT Center For Human Genetics Tuebingen Variant Classification Criteria Version 2. Collection method: clinical testing. Allele origin: germline. Affected: yes. Observed: 1 variant allele.
Comment: LRRK2: BP4

GeneReviews
No classification provided. Condition: Autosomal dominant Parkinson disease 8. Review status: no classification provided. Collection method: literature only. Allele origin: unknown. Not counted in ClinVar's aggregate classification.

Literature cited by the submitters: PubMed 18213618 (cited by Labcorp Genetics (formerly Invitae), Labcorp); PubMed 20642453 (cited by Labcorp Genetics (formerly Invitae), Labcorp); PubMed 20301387 (cited by GeneReviews); NCBI Bookshelf NBK1208 (cited by GeneReviews).

NM_198578.4(LRRK2):c.6422C>T (p.Thr2141Met)

Gene: LRRK2 (leucine rich repeat kinase 2; plus strand). Cytogenetic location: 12q12.
Variant type: single nucleotide variant.
Coding change: c.6422C>T on transcript NM_198578.4 (MANE Select); coding-DNA position 6422, C replaced by T.
Protein change: p.Thr2141Met; replaces threonine 2141 with methionine.
Molecular consequence: missense variant.
Genome position (GRCh38, 1-based): chr12:40,351,579, C>T. VCF-style: chr12-40351579-C-T. GRCh37 (hg19) VCF-style: chr12-40745381-C-T.
Other names: short protein forms T2141M.
Identifiers: ClinVar variation 39226 (VCV000039226.26), dbSNP rs111691891, ClinGen allele CA343661.
Genomic context (GRCh38, chr12:40,351,579, plus strand): 5'-TTATCTTTAAACTTTCTCAGGTCTTTGACATTTTGAATTCAGCTGAATTAGTCTGTCTGA[C>T]GAGACGCATTTTATTACCTAAAAACGTAATTGTTGAATGCATGGTTGCTACACATCACAA-3'
Protein context (NP_940980.4, residues 2131-2151): ILNSAELVCL[Thr2141Met]RRILLPKNVI